The following is an entry in ClinVar:

NM_001040108.2(MLH3):c.337A>G (p.Lys113Glu)

Gene: MLH3 (mutL homolog 3; minus strand). Cytogenetic location: 14q24.3.
Variant type: single nucleotide variant.
Coding change: c.337A>G on transcript NM_001040108.2 (MANE Select); coding-DNA position 337, A replaced by G.
Protein change: p.Lys113Glu; replaces lysine 113 with glutamic acid.
Molecular consequence: missense variant.
Genome position (GRCh38, 1-based): chr14:75,049,319, T>C on the plus strand (A>G on the coding strand, the complement: MLH3 is on the minus strand). VCF-style: chr14-75049319-T-C. GRCh37 (hg19) VCF-style: chr14-75516022-T-C.
Other names: c.337A>G, p.Lys113Glu (NM_014381.3); short protein forms K113E.
Identifiers: ClinVar variation 4860170 (VCV004860170.1).

ClinVar aggregate classification (germline): Uncertain significance (1 of 4 stars; one submission).

gnomAD v4.1: 1 of 1,614,068 alleles (0.000062%); highest among the groups gnomAD compares: African/African-American, 0.0013%; no homozygotes.

Submission:

Ambry Genetics
Classification: Uncertain significance. Last evaluated: 2026-03-24. Review status: criteria provided, single submitter. Criteria: Ambry Variant Classification Scheme 2023. Collection method: clinical testing. Allele origin: germline.
Comment: The p.K113E variant (also known as c.337A>G), located in coding exon 1 of the MLH3 gene, results from an A to G substitution at nucleotide position 337. The lysine at codon 113 is replaced by glutamic acid, an amino acid with similar properties. This amino acid position is conserved. In addition, this alteration is predicted to be tolerated by in silico analysis. Based on the available evidence, the clinical significance of this variant remains unclear.